The following is an entry in ClinVar:

NM_001351132.2(PEX5):c.1637G>A (p.Arg546His)

Gene: PEX5 (peroxisomal biogenesis factor 5; plus strand). Cytogenetic location: 12p13.31.
Variant type: single nucleotide variant.
Coding change: c.1637G>A on transcript NM_001351132.2 (MANE Select); coding-DNA position 1637, G replaced by A.
Protein change: p.Arg546His; replaces arginine 546 with histidine.
Molecular consequence: missense variant.
Genome position (GRCh38, 1-based): chr12:7,209,759, G>A. VCF-style: chr12-7209759-G-A. GRCh37 (hg19) VCF-style: chr12-7362355-G-A.
Other names: c.1613G>A, p.Arg538His (NM_000319.5); c.1682G>A, p.Arg561His (NM_001131023.2); c.1526G>A, p.Arg509His (NM_001131024.2, NM_001351124.3, NM_001351126.2 and 7 more transcripts); c.1637G>A, p.Arg546His (NM_001131025.2, NM_001131026.2, NM_001300789.3 and 4 more transcripts); c.1571G>A, p.Arg524His (NM_001351135.3, NM_001351138.2); c.1628G>A, p.Arg543His (NM_001351136.2); c.1502G>A, p.Arg501His (NM_001351139.2, NM_001351140.2, NM_001374649.2); short protein forms R509H, R546H, R524H, R538H, R543H, R561H, R501H.
Identifiers: ClinVar variation 1521887 (VCV001521887.3), dbSNP rs375588538, ClinGen allele CA6426531.

ClinVar aggregate classification (germline): Uncertain significance (1 of 4 stars; one submission).

Conditions:
Peroxisome biogenesis disorder 2B (PBD2B). Identifiers: Orphanet 44, MedGen C3550234, MONDO:0008736, OMIM 202370.

Allele frequency attached by ClinVar (database versions not stated): gnomAD 0.00001; gnomAD exomes 0.00001 and 0.00003; ExAC 0.00002.
gnomAD v4.1: 14 of 1,587,398 alleles (0.00088%); highest among the groups gnomAD compares: Admixed American, 0.007%; no homozygotes.

Submission:

Labcorp Genetics (formerly Invitae), Labcorp
Classification: Uncertain significance for Peroxisome biogenesis disorder 2B. Last evaluated: 2022-09-28. Review status: criteria provided, single submitter. Criteria: Invitae Variant Classification Sherloc (09022015). Collection method: clinical testing. Allele origin: germline.
Comment: This sequence change replaces arginine, which is basic and polar, with histidine, which is basic and polar, at codon 546 of the PEX5 protein (p.Arg546His). This variant is present in population databases (rs375588538, gnomAD 0.01%). This variant has not been reported in the literature in individuals affected with PEX5-related conditions. ClinVar contains an entry for this variant (Variation ID: 1521887). Advanced modeling of protein sequence and biophysical properties (such as structural, functional, and spatial information, amino acid conservation, physicochemical variation, residue mobility, and thermodynamic stability) performed at Invitae indicates that this missense variant is not expected to disrupt PEX5 protein function. In summary, the available evidence is currently insufficient to determine the role of this variant in disease. Therefore, it has been classified as a Variant of Uncertain Significance.